The following is an entry in ClinVar:

ClinVar aggregate classification (germline): Conflicting classifications of pathogenicity. Review status: criteria provided, conflicting classifications (1 of 4 stars). 3 submissions from 3 submitters: Uncertain significance (2); Likely benign (1). Last evaluated 2025-01-01.

Conditions:
Inborn genetic diseases. Identifiers: MedGen C0950123, MeSH D030342.

Allele frequency attached by ClinVar (database versions not stated): gnomAD 0.00001; gnomAD exomes 0.00001; TOPMed 0.00001.
gnomAD v4.1: 34 of 1,612,650 alleles (0.0021%); highest among the groups gnomAD compares: Middle Eastern, 0.016%; no homozygotes.

Submissions (3):

Ambry Genetics
Classification: Likely benign for Inborn genetic diseases. Last evaluated: 2025-01-01. Review status: criteria provided, single submitter. Criteria: Ambry Variant Classification Scheme 2023. Collection method: clinical testing. Allele origin: germline.

Blueprint Genetics
Classification: Uncertain significance. Last evaluated: 2024-08-28. Review status: criteria provided, single submitter. Criteria: ACMG Guidelines, 2015. Collection method: clinical testing. Allele origin: germline.

Labcorp Genetics (formerly Invitae), Labcorp
Classification: Uncertain significance. Last evaluated: 2023-12-11. Review status: criteria provided, single submitter. Criteria: Invitae Variant Classification Sherloc (09022015). Collection method: clinical testing. Allele origin: germline.
Comment: This sequence change replaces arginine, which is basic and polar, with histidine, which is basic and polar, at codon 339 of the TONSL protein (p.Arg339His). This variant is present in population databases (rs199658960, gnomAD 0.006%). This variant has not been reported in the literature in individuals affected with TONSL-related conditions. ClinVar contains an entry for this variant (Variation ID: 1429988). Advanced modeling of protein sequence and biophysical properties (such as structural, functional, and spatial information, amino acid conservation, physicochemical variation, residue mobility, and thermodynamic stability) performed at Invitae indicates that this missense variant is not expected to disrupt TONSL protein function with a negative predictive value of 80%. In summary, the available evidence is currently insufficient to determine the role of this variant in disease. Therefore, it has been classified as a Variant of Uncertain Significance.

NM_013432.5(TONSL):c.1016G>A (p.Arg339His)

Gene: TONSL (tonsoku like, DNA repair protein; minus strand). Cytogenetic location: 8q24.3.
Variant type: single nucleotide variant.
Coding change: c.1016G>A on transcript NM_013432.5 (MANE Select); coding-DNA position 1016, G replaced by A.
Protein change: p.Arg339His; replaces arginine 339 with histidine.
Molecular consequence: missense variant.
Genome position (GRCh38, 1-based): chr8:144,440,866, C>T on the plus strand (G>A on the coding strand, the complement: TONSL is on the minus strand). VCF-style: chr8-144440866-C-T. GRCh37 (hg19) VCF-style: chr8-145666249-C-T.
Other names: c.1016G>A (NM_013432.4); short protein forms R339H.
Identifiers: ClinVar variation 1429988 (VCV001429988.8), dbSNP rs199658960, ClinGen allele CA187675099.